The following is an entry in ClinVar:

NM_004522.3(KIF5C):c.2687G>A (p.Arg896His)

Gene: KIF5C (kinesin family member 5C; plus strand). Cytogenetic location: 2q23.2.
Variant type: single nucleotide variant.
Coding change: c.2687G>A on transcript NM_004522.3 (MANE Select); coding-DNA position 2687, G replaced by A.
Protein change: p.Arg896His; replaces arginine 896 with histidine.
Molecular consequence: missense variant. On other transcripts: non-coding transcript variant (1).
Genome position (GRCh38, 1-based): chr2:149,010,271, G>A. VCF-style: chr2-149010271-G-A. GRCh37 (hg19) VCF-style: chr2-149866785-G-A.
Other names: short protein forms R896H.
Identifiers: ClinVar variation 2651419 (VCV002651419.24), dbSNP rs756942747, ClinGen allele CA1901753.

ClinVar aggregate classification (germline): Uncertain significance (1 of 4 stars; one submission).

gnomAD v4.1: 15 of 1,594,834 alleles (0.00094%); highest among the groups gnomAD compares: African/African-American, 0.0027%; no homozygotes.

Submission:

CeGaT Center for Human Genetics Tuebingen
Classification: Uncertain significance. Last evaluated: 2023-02-01. Review status: criteria provided, single submitter. Criteria: CeGaT Center For Human Genetics Tuebingen Variant Classification Criteria Version 2. Collection method: clinical testing. Allele origin: germline. Affected: yes. Observed: 1 variant allele.
Comment: KIF5C: PM2:Supporting, PP3